The following is an entry in ClinVar:

ClinVar aggregate classification (germline): Uncertain significance (1 of 4 stars; one submission).

Conditions:
Hereditary pulmonary alveolar proteinosis. Also called: Pulmonary surfactant metabolism dysfunction. Identifiers: Orphanet 264675, MedGen C3711368, MONDO:0012580.

gnomAD v4.1: 1 of 1,614,004 alleles (0.000062%); highest among the groups gnomAD compares: Non-Finnish European, 0.000085%; no homozygotes.

Submission:

Ambry Genetics
Classification: Uncertain significance for Hereditary pulmonary alveolar proteinosis. Last evaluated: 2024-12-28. Review status: criteria provided, single submitter. Criteria: Ambry Variant Classification Scheme 2023. Collection method: clinical testing. Allele origin: germline.
Comment: The p.V8F variant (also known as c.22G>T), located in coding exon 1 of the SFTPC gene, results from a G to T substitution at nucleotide position 22. The valine at codon 8 is replaced by phenylalanine, an amino acid with highly similar properties. This amino acid position is conserved. In addition, the in silico prediction for this alteration is inconclusive. Based on the available evidence, the clinical significance of this variant remains unclear.

NM_001317778.2(SFTPC):c.22G>T (p.Val8Phe)

Gene: SFTPC (surfactant protein C; plus strand). Cytogenetic location: 8p21.3.
Variant type: single nucleotide variant.
Coding change: c.22G>T on transcript NM_001317778.2 (MANE Select); coding-DNA position 22, G replaced by T.
Protein change: p.Val8Phe; replaces valine 8 with phenylalanine.
Molecular consequence: missense variant.
Genome position (GRCh38, 1-based): chr8:22,161,850, G>T. VCF-style: chr8-22161850-G-T. GRCh37 (hg19) VCF-style: chr8-22019363-G-T.
Other names: c.22G>T, p.Val8Phe (NM_001172357.2, NM_001172410.2, NM_001317779.2 and 10 more transcripts); short protein forms V8F.
Identifiers: ClinVar variation 3794864 (VCV003794864.1).
Genomic context (GRCh38, chr8:22,161,850, plus strand): 5'-TGGGAGAGGAGGAGAGGAGAGCATAGCACCTGCAGCAAGATGGATGTGGGCAGCAAAGAG[G>T]TCCTGATGGAGAGCCCGCCGGTGAGTGTGGTTGCGTGTGTGTATGTATGTGTGCGCGCGC-3'
Protein context (NP_001304707.1, residues 1-18): MDVGSKE[Val8Phe]LMESPPDYSA